The following is an entry in ClinVar:

NM_054027.6(ANKH):c.1124_1126del (p.Ser375del)

Gene: ANKH (ANKH inorganic pyrophosphate transport regulator; minus strand). Cytogenetic location: 5p15.2.
Variant type: Deletion.
Coding change: c.1124_1126del on transcript NM_054027.6 (MANE Select); coding-DNA positions 1124 to 1126, 3 bases deleted (CCT; older notation c.1124_1126delCCT).
Protein change: p.Ser375del; deletes serine 375.
Molecular consequence: inframe deletion.
Genome position (GRCh38, 1-based): chr5:14,716,721-14,716,723, AGG deleted on the plus strand (CCT on the coding strand, the reverse complement: ANKH is on the minus strand); deleting any 3 consecutive bases within chr5:14,716,721-14,716,725 gives the same sequence; the c. name uses the placement nearest the transcript's 3' end. VCF-style (leftmost placement, unchanged base first): chr5-14716720-AAGG-A. GRCh37 (hg19) VCF-style: chr5-14716829-AAGG-A.
Other names: S375delS; c.1124_1126delCCT (NM_054027.4); short protein forms S375del.
Identifiers: ClinVar variation 5194 (VCV000005194.56), dbSNP rs121908406, ClinGen allele CA253426.

ClinVar aggregate classification (germline): Pathogenic/Likely pathogenic. Review status: criteria provided, multiple submitters, no conflicts (2 of 4 stars). 7 submissions from 7 submitters: Pathogenic (5); Likely pathogenic (1). 1 of the submissions does not count toward it. Last evaluated 2025-07-09.

Conditions:
Paediatric disorders.
Craniometaphyseal dysplasia, autosomal dominant (CMDD). Identifiers: Orphanet 1522, MedGen C1852502, MONDO:0007397, OMIM 123000.

Submissions (7):

Labcorp Genetics (formerly Invitae), Labcorp
Classification: Pathogenic. Last evaluated: 2025-07-09. Review status: criteria provided, single submitter. Criteria: Invitae Variant Classification Sherloc (09022015). Collection method: clinical testing. Allele origin: germline.
Comment: This variant, c.1124_1126del, results in the deletion of 1 amino acid(s) of the ANKH protein (p.Ser375del), but otherwise preserves the integrity of the reading frame. This variant is not present in population databases (gnomAD no frequency). This variant has been observed in individual(s) with craniometaphyseal dysplasia (PMID: 11326272, 23421944). In at least one individual the variant was observed to be de novo. ClinVar contains an entry for this variant (Variation ID: 5194). Algorithms developed to predict the effect of variants on gene product structure and function are not available or were not evaluated for this variant. Experimental studies have shown that this variant affects ANKH function (PMID: 30356088). For these reasons, this variant has been classified as Pathogenic.

North West Genomic Laboratory Hub, Manchester University NHS Foundation Trust
Classification: Pathogenic for Paediatric disorders. Last evaluated: 2025-05-12. Review status: criteria provided, single submitter. Criteria: ACGS Best Practice Guidelines for Variant Classification in Rare Disease 2024. Collection method: clinical testing. Allele origin: germline. Affected: yes.
Comment: PS2_Str PS3_Supp PM2_Mod PM4_Mod PS4_Mod

GeneDx
Classification: Pathogenic. Last evaluated: 2025-01-17. Review status: criteria provided, single submitter. Criteria: GeneDx Variant Classification Process June 2021. Collection method: clinical testing. Allele origin: germline. Affected: yes.
Comment: In-frame deletion of one amino acid in a non-repeat region; In silico analysis supports a deleterious effect on protein structure/function; Not observed at significant frequency in large population cohorts (gnomAD); This variant is associated with the following publications: (PMID: 23421944, 33057194, 35982159, 37654679, 26820766, 22150416, 20186813, 29056330, 30356088, 31785789, 11326272, MoochhalaSH2010[Thesis], 11326338, PersaudMA2016[Thesis], TerkeltaubR2011[Chapter])

Revvity Omics, Revvity
Classification: Pathogenic. Last evaluated: 2020-08-13. Review status: criteria provided, single submitter. Criteria: ACMG Guidelines, 2015. Collection method: clinical testing. Allele origin: germline.

Centre for Mendelian Genomics, University Medical Centre Ljubljana
Classification: Likely pathogenic for Craniometaphyseal dysplasia, autosomal dominant. Last evaluated: 2019-01-26. Review status: criteria provided, single submitter. Criteria: ACMG Guidelines, 2015. Collection method: clinical testing. Allele origin: unknown. Affected: yes.
Comment: This variant was classified as: Likely pathogenic. The following ACMG criteria were applied in classifying this variant: PM2,PM4,PP5.

CeGaT Center for Human Genetics Tuebingen
Classification: Pathogenic. Last evaluated: 2017-02-01. Review status: criteria provided, single submitter. Criteria: CeGaT Center For Human Genetics Tuebingen Variant Classification Criteria Version 2. Collection method: clinical testing. Allele origin: germline. Affected: yes. Observed: 1 variant allele.

OMIM
Classification: Pathogenic for CRANIOMETAPHYSEAL DYSPLASIA, AUTOSOMAL DOMINANT. Last evaluated: 2001-06-01. Review status: no assertion criteria provided. Collection method: literature only. Allele origin: germline. Not counted in ClinVar's aggregate classification.

Literature cited by the submitters: PubMed 11326272 (cited by Labcorp Genetics (formerly Invitae), Labcorp and OMIM); PubMed 23421944 (cited by Labcorp Genetics (formerly Invitae), Labcorp); PubMed 30356088 (cited by Labcorp Genetics (formerly Invitae), Labcorp); PubMed 11326338 (cited by OMIM).